The following is an entry in ClinVar:

NM_000051.4(ATM):c.3921G>T (p.Gly1307=)

Gene: ATM (ATM serine/threonine kinase; plus strand). Cytogenetic location: 11q22.3.
Variant type: single nucleotide variant.
Coding change: c.3921G>T on transcript NM_000051.4 (MANE Select); coding-DNA position 3921, G replaced by T.
Protein change: p.Gly1307=; no amino-acid change (glycine 1307 retained).
Molecular consequence: synonymous variant.
Genome position (GRCh38, 1-based): chr11:108,284,401, G>T. VCF-style: chr11-108284401-G-T. GRCh37 (hg19) VCF-style: chr11-108155128-G-T.
Other names: c.3921G>T, p.Gly1307= (NM_001351834.2).
Identifiers: ClinVar variation 3253994 (VCV003253994.1), dbSNP rs969461745.
Genomic context (GRCh38, chr11:108,284,401, plus strand): 5'-TCCAAAGATTCTTGTAAATATTCTTCCTTATTTTGCCTATGAGGGTACCAGAGACAGTGG[G>T]ATGGCACAGCAAAGAGAGACTGCTACCAAGGTCTATGATATGCTTAAAAGTGAAAACTTA-3'
Protein context (NP_000042.3, residues 1297-1317): YFAYEGTRDS[Gly1307=]MAQQRETATK

ClinVar aggregate classification (germline): Benign (1 of 4 stars; one submission).

Conditions:
Familial cancer of breast. Also called: BREAST CANCER, FAMILIAL; Hereditary breast cancer; hereditary breast carcinoma. Identifiers: Orphanet 227535, MedGen C0346153, MONDO:0016419, OMIM 114480. Disease mechanism: loss of function.

Submission:

Myriad Genetics, Inc.
Classification: Benign for Familial cancer of breast. Last evaluated: 2024-05-15. Review status: criteria provided, single submitter. Criteria: Myriad Autosomal Dominant, Autosomal Recessive and X-Linked Classification Criteria (2023). Collection method: clinical testing. Allele origin: unknown.
Comment: This variant is considered benign. This variant is a silent/synonymous amino acid change and it is not expected to impact splicing.